The following is an entry in ClinVar:

NM_174936.4(PCSK9):c.197_198delinsAA (p.Arg66Gln)

Gene: PCSK9 (proprotein convertase subtilisin/kexin type 9; plus strand). Cytogenetic location: 1p32.3.
Variant type: Indel.
Coding change: c.197_198delinsAA on transcript NM_174936.4 (MANE Select); coding-DNA positions 197 to 198, GC replaced by AA.
Protein change: p.Arg66Gln; replaces arginine 66 with glutamine.
Molecular consequence: missense variant.
Genome position (GRCh38, 1-based): chr1:55,040,034-55,040,035, GC replaced by AA. VCF-style: chr1-55040034-GC-AA. GRCh37 (hg19) VCF-style: chr1-55505707-GC-AA.
Other names: short protein forms R66Q.
Identifiers: ClinVar variation 919153 (VCV000919153.13), dbSNP rs1644587150, ClinGen allele CA913187509.

ClinVar aggregate classification (germline): Uncertain significance. Review status: criteria provided, multiple submitters, no conflicts (2 of 4 stars). 3 submissions from 3 submitters: Uncertain significance (3). Last evaluated 2026-02-23.

Conditions:
Familial hypercholesterolemia. Also called: Familial hypercholesterolemias; Familial hypercholesterolaemia. Identifiers: MedGen C0020445, MONDO:0005439.
Hypercholesterolemia, autosomal dominant, 3 (FHCL3). Also called: Familial Hypercholesterolemia, Autosomal Dominant, 3; PCSK9-Related Familial Hypercholesterolemia, Autosomal Dominant; Familial hypercholesterolemia 3. Identifiers: MedGen C1863551, MONDO:0011369, OMIM 603776.

Submissions (3):

GeneDx
Classification: Uncertain significance. Last evaluated: 2026-02-23. Review status: criteria provided, single submitter. Criteria: GeneDx Variant Classification Process June 2021. Collection method: clinical testing. Allele origin: germline.
Comment: Not observed at significant frequency in large population cohorts (gnomAD); Has not been previously published as pathogenic or benign to our knowledge; In silico analysis does not support a benign or deleterious effect of this variant on protein structure/function

Color Diagnostics, LLC DBA Color Health
Classification: Uncertain significance for Familial hypercholesterolemia. Last evaluated: 2023-12-05. Review status: criteria provided, single submitter. Criteria: ACMG Guidelines, 2015. Collection method: clinical testing. Allele origin: germline.
Comment: This missense variant replaces arginine with glutamine at codon 66 of the PCSK9 protein. To our knowledge, functional studies have not been reported for this variant. This variant has not been reported in individuals affected with familial hypercholesterolemia in the literature. This variant has not been identified in the general population by the Genome Aggregation Database (gnomAD). The available evidence is insufficient to determine the role of this variant in disease conclusively. Therefore, this variant is classified as a Variant of Uncertain Significance.

Labcorp Genetics (formerly Invitae), Labcorp
Classification: Uncertain significance for Hypercholesterolemia, autosomal dominant, 3. Last evaluated: 2020-02-24. Review status: criteria provided, single submitter. Criteria: Invitae Variant Classification Sherloc (09022015). Collection method: clinical testing. Allele origin: germline.
Comment: This variant has not been reported in the literature in individuals with PCSK9-related conditions. This variant is not present in population databases (ExAC no frequency). This sequence change replaces arginine with glutamine at codon 66 of the PCSK9 protein (p.Arg66Gln). The arginine residue is moderately conserved and there is a small physicochemical difference between arginine and glutamine. In summary, the available evidence is currently insufficient to determine the role of this variant in disease. Therefore, it has been classified as a Variant of Uncertain Significance. Algorithms developed to predict the effect of missense changes on protein structure and function are either unavailable or do not agree on the potential impact of this missense change (SIFT: "Not Available"; PolyPhen-2: "Possibly Damaging"; Align-GVGD: "Not Available").